The following is an entry in ClinVar:

ClinVar aggregate classification (germline): Pathogenic (1 of 4 stars; one submission).

Conditions:
VPS13A-related neurodegenerative disease. Also called: ACANTHOCYTOSIS WITH NEUROLOGIC DISORDER; LEVINE-CRITCHLEY SYNDROME; Choreoacanthocytosis; Chorea-acanthocytosis; Choreaacanthocytosis; VPS13A Disease. Identifiers: Orphanet 2388, MedGen C0393576, MONDO:0008695, OMIM 200150.

Submission:

Myriad Genetics, Inc.
Classification: Pathogenic for VPS13A-related neurodegenerative disease. Last evaluated: 2025-04-28. Review status: criteria provided, single submitter. Criteria: Myriad Autosomal Dominant, Autosomal Recessive and X-Linked Classification Criteria (2023). Collection method: clinical testing. Allele origin: unknown.
Comment: NM_033305.2(VPS13A):c.597_598dupTG(E200Vfs*8) is expected to be pathogenic in the context of VPS13A disease. This variant is predicted to lead to an abnormal or absent protein product due to the creation of a premature termination codon in VPS13A, a gene where loss-of-function variants are known to be pathogenic. Please note: this variant was assessed in the context of healthy population screening.

NM_033305.3(VPS13A):c.597_598dup (p.Glu200fs)

Gene: VPS13A (vacuolar protein sorting 13 homolog A; plus strand). Cytogenetic location: 9q21.2.
Variant type: Duplication.
Coding change: c.597_598dup on transcript NM_033305.3 (MANE Select); coding-DNA positions 597 to 598, 2 bases duplicated (TG; older notation c.597_598dupTG).
Protein change: p.Glu200fs; shifts the reading frame from glutamic acid 200.
Molecular consequence: frameshift variant.
Genome position (GRCh38, 1-based): chr9:77,213,010-77,213,011, TG duplicated. VCF-style (leftmost placement, unchanged base first): chr9-77213009-C-CTG. GRCh37 (hg19) VCF-style: chr9-79827925-C-CTG.
Other names: c.597_598dup, p.Glu200fs (NM_001018037.2, NM_001018038.3, NM_015186.4); short protein forms E200fs.
Identifiers: ClinVar variation 5014354 (VCV005014354.1).
Genomic context (GRCh38, chr9:77,213,009, plus strand): 5'-TTGTTTTTTTTCCTTTTCAGACAACTGATCAATACTGGGTTCCATGTTTACATGATGAAA[C>CTG]TGAGAAACTGGTTCGTAAGGTAAATAAATACTGTGTTTGTCAACTCATGGACTTAAGAGA-3'